The following is an entry in ClinVar:

NM_002907.4(RECQL):c.1114G>C (p.Val372Leu)

Gene: RECQL (RecQ like helicase; minus strand). Cytogenetic location: 12p12.1.
Variant type: single nucleotide variant.
Coding change: c.1114G>C on transcript NM_002907.4 (MANE Select); coding-DNA position 1114, G replaced by C.
Protein change: p.Val372Leu; replaces valine 372 with leucine.
Molecular consequence: missense variant.
Genome position (GRCh38, 1-based): chr12:21,475,570, C>G on the plus strand (G>C on the coding strand, the complement: RECQL is on the minus strand). VCF-style: chr12-21475570-C-G. GRCh37 (hg19) VCF-style: chr12-21628504-C-G.
Other names: c.1114G>C, p.Val372Leu (NM_032941.3); short protein forms V372L.
Identifiers: ClinVar variation 1431089 (VCV001431089.13), dbSNP rs2230003, ClinGen allele CA6478852.
Genomic context (GRCh38, chr12:21,475,570, plus strand): 5'-TCATTGAATGATGGATAACAAACCTCACATCTGGCTTATCAATTCCCATACCAAATGCAA[C>G]AGTTGCCACTACTACCTGAAATATTTTAACATTTTATCAGTTAATTAAATCAAGTTTAAA-3'
Protein context (NP_002898.2, residues 362-382): ANEIQVVVAT[Val372Leu]AFGMGIDKPD

ClinVar aggregate classification (germline): Uncertain significance. Review status: criteria provided, multiple submitters, no conflicts (2 of 4 stars). 3 submissions from 3 submitters: Uncertain significance (3). Last evaluated 2025-11-12.

gnomAD v4.1: 2 of 1,611,992 alleles (0.00012%); highest among the groups gnomAD compares: Non-Finnish European, 0.00017%; no homozygotes.

Submissions (3):

Ambry Genetics
Classification: Uncertain significance. Last evaluated: 2025-11-12. Review status: criteria provided, single submitter. Criteria: Ambry Variant Classification Scheme 2023. Collection method: clinical testing. Allele origin: germline.
Comment: The p.V372L variant (also known as c.1114G>C), located in coding exon 9 of the RECQL gene, results from a G to C substitution at nucleotide position 1114. The valine at codon 372 is replaced by leucine, an amino acid with highly similar properties. This amino acid position is highly conserved in available vertebrate species. In addition, this alteration is predicted to be deleterious by in silico analysis. Since supporting evidence is limited at this time, the clinical significance of this alteration remains unclear.

Labcorp Genetics (formerly Invitae), Labcorp
Classification: Uncertain significance. Last evaluated: 2025-10-29. Review status: criteria provided, single submitter. Criteria: Invitae Variant Classification Sherloc (09022015). Collection method: clinical testing. Allele origin: germline.
Comment: This sequence change replaces valine, which is neutral and non-polar, with leucine, which is neutral and non-polar, at codon 372 of the RECQL protein (p.Val372Leu). This variant is present in population databases (rs2230003, gnomAD 0.0009%). This variant has not been reported in the literature in individuals affected with RECQL-related conditions. ClinVar contains an entry for this variant (Variation ID: 1431089). Invitae Evidence Modeling of protein sequence and biophysical properties (such as structural, functional, and spatial information, amino acid conservation, physicochemical variation, residue mobility, and thermodynamic stability) indicates that this missense variant is not expected to disrupt RECQL protein function with a negative predictive value of 80%. In summary, the available evidence is currently insufficient to determine the role of this variant in disease. Therefore, it has been classified as a Variant of Uncertain Significance.

GeneDx
Classification: Uncertain significance. Last evaluated: 2023-06-04. Review status: criteria provided, single submitter. Criteria: GeneDx Variant Classification Process June 2021. Collection method: clinical testing. Allele origin: germline.
Comment: Not observed at significant frequency in large population cohorts (gnomAD); In silico analysis supports that this missense variant does not alter protein structure/function; Has not been previously published as pathogenic or benign to our knowledge; Variants in candidate genes are classified as variants of uncertain significance in accordance with ACMG guidelines (Richards et al., 2015); This variant is associated with the following publications: (PMID: 27248010, 19151156)